The following is an entry in ClinVar:

ClinVar aggregate classification (germline): Pathogenic (1 of 4 stars; one submission).

Conditions:
CEP290-related ciliopathy. Also called: CEP290 ciliopathy. Identifiers: MedGen CN305601, MONDO:0100451.

Submission:

Myriad Genetics, Inc.
Classification: Pathogenic for CEP290-related ciliopathy. Last evaluated: 2025-10-21. Review status: criteria provided, single submitter. Criteria: Myriad Autosomal Dominant, Autosomal Recessive and X-Linked Classification Criteria (2023). Collection method: clinical testing. Allele origin: unknown.
Comment: NM_025114.3(CEP290):c.887delA(N296Mfs*9) is expected to be pathogenic in the context of CEP290-related disorders. This variant is predicted to lead to an abnormal or absent protein product due to the creation of a premature termination codon in CEP290, a gene where loss-of-function variants are known to be pathogenic. Please note: this variant was assessed in the context of healthy population screening.

NM_025114.4(CEP290):c.887del (p.Asn296fs)

Gene: CEP290 (centrosomal protein 290; minus strand). Cytogenetic location: 12q21.32.
Variant type: Deletion.
Coding change: c.887del on transcript NM_025114.4 (MANE Select); coding-DNA position 887, one base deleted (A; older notation c.887delA).
Protein change: p.Asn296fs; shifts the reading frame from asparagine 296.
Molecular consequence: frameshift variant.
Genome position (GRCh38, 1-based): chr12:88,129,001, T deleted on the plus strand (A on the coding strand, the reverse complement: CEP290 is on the minus strand); the first of 6 consecutive T bases (chr12:88,129,001-88,129,006); deleting any one gives the same sequence. VCF-style (leftmost placement, unchanged base first): chr12-88129000-AT-A. GRCh37 (hg19) VCF-style: chr12-88522777-AT-A.
Other names: short protein forms N296fs.
Identifiers: ClinVar variation 5015113 (VCV005015113.1).